The following is an entry in ClinVar:

ClinVar aggregate classification (germline): Benign/Likely benign. Review status: criteria provided, multiple submitters, no conflicts (2 of 4 stars). 3 submissions from 3 submitters: Benign (1); Likely benign (2). Last evaluated 2025-07-28.

Conditions:
Familial cancer of breast. Also called: BREAST CANCER, FAMILIAL; Hereditary breast cancer; hereditary breast carcinoma. Identifiers: Orphanet 227535, MedGen C0346153, MONDO:0016419, OMIM 114480. Disease mechanism: loss of function.
Hereditary cancer-predisposing syndrome. Also called: Neoplastic Syndromes, Hereditary; Tumor predisposition; Hereditary Cancer Syndrome; Hereditary neoplastic syndrome. Identifiers: Orphanet 140162, MedGen C0027672, MeSH D009386, MONDO:0015356.

Submissions (3):

Ambry Genetics
Classification: Likely benign for Hereditary cancer-predisposing syndrome. Last evaluated: 2025-07-28. Review status: criteria provided, single submitter. Criteria: Ambry Variant Classification Scheme 2023. Collection method: clinical testing. Allele origin: germline.

Myriad Genetics, Inc.
Classification: Benign for Familial cancer of breast. Last evaluated: 2024-07-29. Review status: criteria provided, single submitter. Criteria: Myriad Autosomal Dominant, Autosomal Recessive and X-Linked Classification Criteria (2023). Collection method: clinical testing. Allele origin: unknown.
Comment: This variant is considered benign. This variant is a silent/synonymous amino acid change and it is not expected to impact splicing.

Labcorp Genetics (formerly Invitae), Labcorp
Classification: Likely benign for Familial cancer of breast. Last evaluated: 2023-11-27. Review status: criteria provided, single submitter. Criteria: Invitae Variant Classification Sherloc (09022015). Collection method: clinical testing. Allele origin: germline.

NM_000465.4(BARD1):c.1980C>T (p.Ser660=)

Gene: BARD1 (BRCA1 associated RING domain 1; minus strand). Cytogenetic location: 2q35.
Variant type: single nucleotide variant.
Coding change: c.1980C>T on transcript NM_000465.4 (MANE Select); coding-DNA position 1980, C replaced by T.
Protein change: p.Ser660=; no amino-acid change (serine 660 retained).
Molecular consequence: synonymous variant. On other transcripts: non-coding transcript variant (3).
Genome position (GRCh38, 1-based): chr2:214,730,432, G>A on the plus strand (C>T on the coding strand, the complement: BARD1 is on the minus strand). VCF-style: chr2-214730432-G-A. GRCh37 (hg19) VCF-style: chr2-215595156-G-A.
Other names: c.1923C>T, p.Ser641= (NM_001282543.2); c.627C>T, p.Ser209= (NM_001282545.2); c.570C>T, p.Ser190= (NM_001282548.2); c.441C>T, p.Ser147= (NM_001282549.2).
Identifiers: ClinVar variation 820459 (VCV000820459.13), dbSNP rs1574706765, ClinGen allele CA431139145.